The following is an entry in ClinVar:

ClinVar aggregate classification (germline): Uncertain significance (1 of 4 stars; one submission).

Conditions:
Spermatogenic failure 18. Identifiers: MedGen C4539783, MONDO:0054615, OMIM 617576.
Ciliary dyskinesia, primary, 37 (CILD37). Also called: CILIARY DYSKINESIA, PRIMARY, 37, WITH OR WITHOUT SITUS INVERSUS. Identifiers: MedGen C4539798, MONDO:0033204, OMIM 617577.

Allele frequency attached by ClinVar (database versions not stated): gnomAD exomes below 0.00001; TOPMed 0.00003; gnomAD 0.00001.
gnomAD v4.1: 8 of 1,607,166 alleles (0.0005%); highest among the groups gnomAD compares: African/African-American, 0.0013%; no homozygotes.

Submission:

Labcorp Genetics (formerly Invitae), Labcorp
Classification: Uncertain significance for Ciliary dyskinesia, primary, 37; Spermatogenic failure 18. Last evaluated: 2025-06-29. Review status: criteria provided, single submitter. Criteria: Invitae Variant Classification Sherloc (09022015). Collection method: clinical testing. Allele origin: germline.
Comment: This sequence change replaces serine, which is neutral and polar, with threonine, which is neutral and polar, at codon 3587 of the DNAH1 protein (p.Ser3587Thr). This variant is present in population databases (no rsID available, gnomAD 0.0009%). This variant has not been reported in the literature in individuals affected with DNAH1-related conditions. ClinVar contains an entry for this variant (Variation ID: 2141245). Invitae Evidence Modeling of protein sequence and biophysical properties (such as structural, functional, and spatial information, amino acid conservation, physicochemical variation, residue mobility, and thermodynamic stability) indicates that this missense variant is expected to disrupt DNAH1 protein function with a positive predictive value of 80%. In summary, the available evidence is currently insufficient to determine the role of this variant in disease. Therefore, it has been classified as a Variant of Uncertain Significance.

NM_015512.5(DNAH1):c.10759T>A (p.Ser3587Thr)

Gene: DNAH1 (dynein axonemal heavy chain 1; plus strand). Cytogenetic location: 3p21.1.
Variant type: single nucleotide variant.
Coding change: c.10759T>A on transcript NM_015512.5 (MANE Select); coding-DNA position 10759, T replaced by A.
Protein change: p.Ser3587Thr; replaces serine 3587 with threonine.
Molecular consequence: missense variant.
Genome position (GRCh38, 1-based): chr3:52,394,597, T>A. VCF-style: chr3-52394597-T-A. GRCh37 (hg19) VCF-style: chr3-52428613-T-A.
Other names: short protein forms S3587T.
Identifiers: ClinVar variation 2141245 (VCV002141245.2), dbSNP rs984861441, ClinGen allele CA74784980.